The following is an entry in ClinVar:

ClinVar aggregate classification (germline): Uncertain significance. Review status: criteria provided, multiple submitters, no conflicts (2 of 4 stars). 3 submissions from 3 submitters: Uncertain significance (3). Last evaluated 2026-01-16.

Conditions:
Fanconi anemia (FA). Also called: Fanconi's anemia. Identifiers: Orphanet 84, MedGen C0015625, MeSH D005199, MONDO:0019391.
Fanconi anemia complementation group D2. Also called: FANCD2-Related Fanconi Anemia; FANCONI PANCYTOPENIA, TYPE 4; FANCONI ANEMIA, COMPLEMENTATION GROUP D. Identifiers: Orphanet 84, MedGen C3160738, MONDO:0009214, OMIM 227646.

Allele frequency attached by ClinVar (database versions not stated): gnomAD exomes 0.00001 and 0.00005; ExAC 0.00006; gnomAD 0.00002; TOPMed 0.00002.
gnomAD v4.1: 13 of 1,613,884 alleles (0.00081%); highest among the groups gnomAD compares: East Asian, 0.029%; no homozygotes.

Submissions (3):

Labcorp Genetics (formerly Invitae), Labcorp
Classification: Uncertain significance for Fanconi anemia. Last evaluated: 2026-01-16. Review status: criteria provided, single submitter. Criteria: Invitae Variant Classification Sherloc (09022015). Collection method: clinical testing. Allele origin: germline.
Comment: This sequence change replaces valine, which is neutral and non-polar, with glutamic acid, which is acidic and polar, at codon 1050 of the FANCD2 protein (p.Val1050Glu). This variant is present in population databases (rs751027444, gnomAD 0.08%). This variant has not been reported in the literature in individuals affected with FANCD2-related conditions. ClinVar contains an entry for this variant (Variation ID: 844211). Invitae Evidence Modeling of protein sequence and biophysical properties (such as structural, functional, and spatial information, amino acid conservation, physicochemical variation, residue mobility, and thermodynamic stability) indicates that this missense variant is not expected to disrupt FANCD2 protein function with a negative predictive value of 80%. In summary, the available evidence is currently insufficient to determine the role of this variant in disease. Therefore, it has been classified as a Variant of Uncertain Significance.

Fulgent Genetics
Classification: Uncertain significance for Fanconi anemia complementation group D2. Last evaluated: 2022-05-18. Review status: criteria provided, single submitter. Criteria: ACMG Guidelines, 2015. Collection method: clinical testing. Allele origin: unknown.

GeneDx
Classification: Uncertain significance. Last evaluated: 2019-09-11. Review status: criteria provided, single submitter. Criteria: GeneDx Variant Classification Process June 2021. Collection method: clinical testing. Allele origin: germline. Affected: yes.
Comment: Has not been previously published as pathogenic or benign to our knowledge; In silico analysis, which includes protein predictors and evolutionary conservation, supports a deleterious effect

NM_001018115.3(FANCD2):c.3149T>A (p.Val1050Glu)

Genes: FANCD2 (FA complementation group D2; plus strand), FANCD2OS (FANCD2 opposite strand; minus strand). Cytogenetic location: 3p25.3.
Variant type: single nucleotide variant.
Coding change: c.3149T>A on transcript NM_001018115.3 (MANE Select); coding-DNA position 3149, T replaced by A.
Protein change: p.Val1050Glu; replaces valine 1050 with glutamic acid.
Molecular consequence: missense variant. On other transcripts: 3 prime UTR variant (1).
Genome position (GRCh38, 1-based): chr3:10,081,389, T>A. VCF-style: chr3-10081389-T-A. GRCh37 (hg19) VCF-style: chr3-10123073-T-A.
Other names: c.*186A>T (NM_173472.2); c.3149T>A, p.Val1050Glu (NM_001319984.2, NM_001374254.1, NM_033084.6); c.3038T>A, p.Val1013Glu (NM_001374253.1); short protein forms V1050E, V1013E.
Identifiers: ClinVar variation 844211 (VCV000844211.12), dbSNP rs751027444, ClinGen allele CA2250292.